The following is an entry in ClinVar:

ClinVar aggregate classification (germline): Uncertain significance. Review status: criteria provided, multiple submitters, no conflicts (2 of 4 stars). 2 submissions from 2 submitters: Uncertain significance (2). Last evaluated 2026-04-10.

Conditions:
FAM161A-related disorder. Also called: FAM161A-related condition.

Allele frequency attached by ClinVar (database versions not stated): gnomAD exomes below 0.00001; gnomAD 0.00001; TOPMed 0.00001.
gnomAD v4.1: 5 of 1,613,892 alleles (0.00031%); highest among the groups gnomAD compares: Admixed American, 0.0017%; no homozygotes.

Submissions (2):

PreventionGenetics, part of Exact Sciences
Classification: Uncertain significance for FAM161A-related condition. Last evaluated: 2026-04-10. Review status: criteria provided, single submitter. Criteria: ACMG Guidelines, 2015. Collection method: clinical testing. Allele origin: germline.
Comment: The FAM161A c.694T>C variant is predicted to result in the amino acid substitution p.Trp232Arg. To our knowledge, this variant has not been reported in the literature. This variant is reported in 0.0028% of alleles in individuals of Latino descent in gnomAD. At this time, the clinical significance of this variant is uncertain due to the absence of conclusive functional and genetic evidence.

Labcorp Genetics (formerly Invitae), Labcorp
Classification: Uncertain significance. Last evaluated: 2022-09-13. Review status: criteria provided, single submitter. Criteria: Invitae Variant Classification Sherloc (09022015). Collection method: clinical testing. Allele origin: germline.
Comment: This sequence change replaces tryptophan, which is neutral and slightly polar, with arginine, which is basic and polar, at codon 232 of the FAM161A protein (p.Trp232Arg). This variant is present in population databases (no rsID available, gnomAD 0.003%). This variant has not been reported in the literature in individuals affected with FAM161A-related conditions. Advanced modeling of protein sequence and biophysical properties (such as structural, functional, and spatial information, amino acid conservation, physicochemical variation, residue mobility, and thermodynamic stability) performed at Invitae indicates that this missense variant is expected to disrupt FAM161A protein function. In summary, the available evidence is currently insufficient to determine the role of this variant in disease. Therefore, it has been classified as a Variant of Uncertain Significance.

NM_001201543.2(FAM161A):c.694T>C (p.Trp232Arg)

Gene: FAM161A (FAM161 centrosomal protein A; minus strand). Cytogenetic location: 2p15.
Variant type: single nucleotide variant.
Coding change: c.694T>C on transcript NM_001201543.2 (MANE Select); coding-DNA position 694, T replaced by C.
Protein change: p.Trp232Arg; replaces tryptophan 232 with arginine.
Molecular consequence: missense variant. On other transcripts: non-coding transcript variant (1).
Genome position (GRCh38, 1-based): chr2:61,840,310, A>G on the plus strand (T>C on the coding strand, the complement: FAM161A is on the minus strand). VCF-style: chr2-61840310-A-G. GRCh37 (hg19) VCF-style: chr2-62067445-A-G.
Other names: c.694T>C, p.Trp232Arg (NM_032180.3); c.694T>C (NM_001201543.1); short protein forms W232R.
Identifiers: ClinVar variation 2150951 (VCV002150951.2), dbSNP rs1223231768, ClinGen allele CA346988588.